The following is an entry in ClinVar:

ClinVar aggregate classification (germline): Uncertain significance (1 of 4 stars; one submission).

gnomAD v4.1: 13 of 1,613,842 alleles (0.00081%); highest among the groups gnomAD compares: Non-Finnish European, 0.0011%; no homozygotes.

Submission:

GeneDx
Classification: Uncertain significance. Last evaluated: 2024-10-25. Review status: criteria provided, single submitter. Criteria: GeneDx Variant Classification Process June 2021. Collection method: clinical testing. Allele origin: germline. Affected: yes.
Comment: Not observed at significant frequency in large population cohorts (gnomAD); In silico analysis supports that this missense variant has a deleterious effect on protein structure/function; Has not been previously published as pathogenic or benign to our knowledge

NM_022915.5(MRPL44):c.950C>T (p.Ser317Phe)

Gene: MRPL44 (mitochondrial ribosomal protein L44; plus strand). Cytogenetic location: 2q36.1.
Variant type: single nucleotide variant.
Coding change: c.950C>T on transcript NM_022915.5 (MANE Select); coding-DNA position 950, C replaced by T.
Protein change: p.Ser317Phe; replaces serine 317 with phenylalanine.
Molecular consequence: missense variant.
Genome position (GRCh38, 1-based): chr2:223,966,985, C>T. VCF-style: chr2-223966985-C-T. GRCh37 (hg19) VCF-style: chr2-224831702-C-T.
Other names: short protein forms S317F.
Identifiers: ClinVar variation 3893476 (VCV003893476.1).
Genomic context (GRCh38, chr2:223,966,985, plus strand): 5'-CTCGAGTGGCCCTTAGAAAACTTTATGGATTCACAGAAAATAGACGGCCGTGGAACTATT[C>T]CAAGCCCAAAGAAACCTTGAGAGCAGAAAAGAGCATCACTGCCAGCTAGCCGCCATGGAT-3'
Protein context (NP_075066.1, residues 307-327): FTENRRPWNY[Ser317Phe]KPKETLRAEK